The following is an entry in ClinVar:

ClinVar aggregate classification (germline): Uncertain significance. Review status: criteria provided, multiple submitters, no conflicts (2 of 4 stars). 2 submissions from 2 submitters: Uncertain significance (2). Last evaluated 2024-08-05.

Conditions:
Inborn genetic diseases. Identifiers: MedGen C0950123, MeSH D030342.

Allele frequency attached by ClinVar (database versions not stated): ExAC 0.00001; gnomAD exomes 0.00001.
gnomAD v4.1: 4 of 1,613,622 alleles (0.00025%); highest among the groups gnomAD compares: Non-Finnish European, 0.00025%; no homozygotes.

Submissions (2):

Ambry Genetics
Classification: Uncertain significance for Inborn genetic diseases. Last evaluated: 2024-08-05. Review status: criteria provided, single submitter. Criteria: Ambry Variant Classification Scheme 2023. Collection method: clinical testing. Allele origin: germline.

Labcorp Genetics (formerly Invitae), Labcorp
Classification: Uncertain significance. Last evaluated: 2024-04-26. Review status: criteria provided, single submitter. Criteria: Invitae Variant Classification Sherloc (09022015). Collection method: clinical testing. Allele origin: germline.
Comment: This sequence change replaces methionine, which is neutral and non-polar, with leucine, which is neutral and non-polar, at codon 336 of the ITPR1 protein (p.Met336Leu). This variant is present in population databases (rs759008439, gnomAD 0.002%). This variant has not been reported in the literature in individuals affected with ITPR1-related conditions. ClinVar contains an entry for this variant (Variation ID: 1401408). Advanced modeling of protein sequence and biophysical properties (such as structural, functional, and spatial information, amino acid conservation, physicochemical variation, residue mobility, and thermodynamic stability) performed at Invitae indicates that this missense variant is not expected to disrupt ITPR1 protein function with a negative predictive value of 95%. In summary, the available evidence is currently insufficient to determine the role of this variant in disease. Therefore, it has been classified as a Variant of Uncertain Significance.

NM_001378452.1(ITPR1):c.1051A>T (p.Met351Leu)

Gene: ITPR1 (inositol 1,4,5-trisphosphate receptor type 1; plus strand). Cytogenetic location: 3p26.1.
Variant type: single nucleotide variant.
Coding change: c.1051A>T on transcript NM_001378452.1 (MANE Select); coding-DNA position 1051, A replaced by T.
Protein change: p.Met351Leu; replaces methionine 351 with leucine.
Molecular consequence: missense variant.
Genome position (GRCh38, 1-based): chr3:4,658,178, A>T. VCF-style: chr3-4658178-A-T. GRCh37 (hg19) VCF-style: chr3-4699862-A-T.
Other names: c.1006A>T, p.Met336Leu (NM_002222.7, NM_001168272.2); c.1006A>T (NM_002222.5); c.1051A>T, p.Met351Leu (NM_001099952.4); short protein forms M351L, M336L.
Identifiers: ClinVar variation 1401408 (VCV001401408.9), dbSNP rs759008439, ClinGen allele CA2231084.